The following is an entry in ClinVar:

Conditions:
Breast-ovarian cancer, familial, susceptibility to, 1 (BROVCA1). Also called: BRCA1 Hereditary Breast and Ovarian Cancer; OVARIAN CANCER, SUSCEPTIBILITY TO. Identifiers: Orphanet 145, MedGen C2676676, MONDO:0011450, OMIM 604370. Disease mechanism: loss of function.

Submission:

Brotman Baty Institute, University of Washington
No classification provided (evidence only). Condition: Breast-ovarian cancer, familial 1. Review status: no classification provided. Collection method: in vitro. Allele origin: not applicable. Functional consequence: functionally_normal.
ClinVar note: "not provided" was previously submitted as the classification for the variant. However, the classification appeared to be based only on an observation of functional data so it was converted to no classification on 2025-07-30.

NM_007294.4(BRCA1):c.5193+10T>G

Gene: BRCA1 (BRCA1 DNA repair associated; minus strand). Cytogenetic location: 17q21.31.
Variant type: single nucleotide variant.
Coding change: c.5193+10T>G on transcript NM_007294.4 (MANE Select); 10 bases into the intron after coding-DNA position 5193, T replaced by G.
Molecular consequence: intron variant.
Genome position (GRCh38, 1-based): chr17:43,063,323, A>C on the plus strand (T>G on the coding strand, the complement: BRCA1 is on the minus strand). VCF-style: chr17-43063323-A-C. GRCh37 (hg19) VCF-style: chr17-41215340-A-C.
Other names: c.1740+10T>G (NM_001408458.1, NM_001408461.1, NM_001408464.1 and 7 more transcripts); c.4302+10T>G (NM_001407967.1); c.4812+10T>G (NM_001407959.1); c.4926+10T>G (NM_001407931.1, NM_001407932.1, NM_001407928.1 and 4 more transcripts); c.5049+10T>G (NM_001407747.1, NM_001407745.1, NM_001407737.1 and 21 more transcripts); c.4809+10T>G (NM_001407962.1, NM_001407960.1); c.1380+10T>G (NM_001408512.1); c.1503+10T>G (NM_001408510.1); and 72 more.
Identifiers: ClinVar variation 867798 (VCV000867798.3), dbSNP rs1567768548, ClinGen allele CA916080022.